The following is an entry in ClinVar:

ClinVar aggregate classification (germline): Uncertain significance (1 of 4 stars; one submission).

Conditions:
Primary dilated cardiomyopathy (DCM). Also called: Dilated Cardiomyopathy. Identifiers: Orphanet 217604, MedGen C0007193, MeSH D002311, MONDO:0005021, HP:0001644. Inheritance: Various modes of inheritance.

Submission:

Labcorp Genetics (formerly Invitae), Labcorp
Classification: Uncertain significance for Primary dilated cardiomyopathy. Last evaluated: 2020-12-30. Review status: criteria provided, single submitter. Criteria: Invitae Variant Classification Sherloc (09022015). Collection method: clinical testing. Allele origin: germline.
Comment: In summary, the available evidence is currently insufficient to determine the role of this variant in disease. Therefore, it has been classified as a Variant of Uncertain Significance. Algorithms developed to predict the effect of missense changes on protein structure and function (SIFT, PolyPhen-2, Align-GVGD) all suggest that this variant is likely to be tolerated, but these predictions have not been confirmed by published functional studies and their clinical significance is uncertain. This variant has not been reported in the literature in individuals with FHL2-related conditions. This variant is not present in population databases (ExAC no frequency). This sequence change replaces glutamic acid with glycine at codon 42 of the FHL2 protein (p.Glu42Gly). The glutamic acid residue is moderately conserved and there is a moderate physicochemical difference between glutamic acid and glycine.

NM_001318895.3(FHL2):c.125A>G (p.Glu42Gly)

Gene: FHL2 (four and a half LIM domains 2; minus strand). Cytogenetic location: 2q12.2.
Variant type: single nucleotide variant.
Coding change: c.125A>G on transcript NM_001318895.3 (MANE Select); coding-DNA position 125, A replaced by G.
Protein change: p.Glu42Gly; replaces glutamic acid 42 with glycine.
Molecular consequence: missense variant. On other transcripts: 5 prime UTR variant (3).
Genome position (GRCh38, 1-based): chr2:105,386,392, T>C on the plus strand (A>G on the coding strand, the complement: FHL2 is on the minus strand). VCF-style: chr2-105386392-T-C. GRCh37 (hg19) VCF-style: chr2-106002849-T-C.
Other names: c.125A>G, p.Glu42Gly (NM_001039492.3, NM_001318894.1, NM_001318896.2 and 4 more transcripts); c.-43A>G (NM_001318897.2, NM_001318898.2); c.-322A>G (NM_001318899.2); short protein forms E42G.
Identifiers: ClinVar variation 1462999 (VCV001462999.8), dbSNP rs1045395933, ClinGen allele CA53425235.